The following is an entry in ClinVar:

ClinVar aggregate classification (germline): Benign/Likely benign. Review status: criteria provided, multiple submitters, no conflicts (2 of 4 stars). 5 submissions from 5 submitters: Benign (2); Likely benign (2). 1 of the submissions does not count toward it. Last evaluated 2026-01-28.

Conditions:
Bohring-Opitz syndrome. Also called: OPITZ TRIGONOCEPHALY-LIKE SYNDROME; C-LIKE SYNDROME; BOHRING SYNDROME; ASXL1-Related Bohring-Opitz Syndrome. Identifiers: Orphanet 97297, MedGen C0796232, MONDO:0011510, OMIM 605039.
ASXL1-related disorder. Also called: ASXL1-related disorders; ASXL1-related condition.
Inborn genetic diseases. Identifiers: MedGen C0950123, MeSH D030342.

Allele frequency attached by ClinVar (database versions not stated): gnomAD exomes 0.00006 and 0.00015; ExAC 0.00018; ESP Exome Variant Server 0.00039; gnomAD 0.00061 and 0.00069; 1000 Genomes Project 30x 0.00062; TOPMed 0.00076; 1000 Genomes Project 0.00080.
gnomAD v4.1: 205 of 1,611,454 alleles (0.013%); highest among the groups gnomAD compares: African/African-American, 0.21%; no homozygotes.

Submissions (5):

Labcorp Genetics (formerly Invitae), Labcorp
Classification: Likely benign. Last evaluated: 2026-01-28. Review status: criteria provided, single submitter. Criteria: Invitae Variant Classification Sherloc (09022015). Collection method: clinical testing. Allele origin: germline.

Ambry Genetics
Classification: Likely benign for Inborn genetic diseases. Last evaluated: 2025-11-26. Review status: criteria provided, single submitter. Criteria: Ambry Variant Classification Scheme 2023. Collection method: clinical testing. Allele origin: germline.

Genome-Nilou Lab
Classification: Benign for Bohring-Opitz syndrome. Last evaluated: 2021-12-05. Review status: criteria provided, single submitter. Criteria: ACMG Guidelines, 2015. Collection method: clinical testing. Allele origin: germline. Affected: no.

GeneDx
Classification: Benign. Last evaluated: 2020-11-20. Review status: criteria provided, single submitter. Criteria: GeneDx Variant Classification Process June 2021. Collection method: clinical testing. Allele origin: germline. Affected: yes.
Comment: This variant is associated with the following publications: (PMID: 31175917)

PreventionGenetics, part of Exact Sciences
Classification: Likely benign for ASXL1-related condition. Last evaluated: 2021-04-06. Review status: no assertion criteria provided. Collection method: clinical testing. Allele origin: germline. Not counted in ClinVar's aggregate classification.
Comment: This variant is classified as likely benign based on ACMG/AMP sequence variant interpretation guidelines (Richards et al. 2015 PMID: 25741868, with internal and published modifications).

NM_015338.6(ASXL1):c.1898A>G (p.His633Arg)

Gene: ASXL1 (ASXL transcriptional regulator 1; plus strand). Cytogenetic location: 20q11.21.
Variant type: single nucleotide variant.
Coding change: c.1898A>G on transcript NM_015338.6 (MANE Select); coding-DNA position 1898, A replaced by G.
Protein change: p.His633Arg; replaces histidine 633 with arginine.
Molecular consequence: missense variant.
Genome position (GRCh38, 1-based): chr20:32,434,610, A>G. VCF-style: chr20-32434610-A-G. GRCh37 (hg19) VCF-style: chr20-31022413-A-G.
Other names: c.1715A>G, p.His572Arg (NM_001363734.1); short protein forms H572R, H633R.
Identifiers: ClinVar variation 742011 (VCV000742011.15), dbSNP rs201280462, ClinGen allele CA9808477.